The following is an entry in ClinVar:

ClinVar aggregate classification (germline): Pathogenic (1 of 4 stars; one submission).

Submission:

Labcorp Genetics (formerly Invitae), Labcorp
Classification: Pathogenic. Last evaluated: 2022-10-21. Review status: criteria provided, single submitter. Criteria: Invitae Variant Classification Sherloc (09022015). Collection method: clinical testing. Allele origin: germline.
Comment: This sequence change creates a premature translational stop signal (p.Trp752*) in the TCIRG1 gene. It is expected to result in an absent or disrupted protein product. Loss-of-function variants in TCIRG1 are known to be pathogenic (PMID: 10888887, 10942435, 11532986, 19448635). This variant is not present in population databases (gnomAD no frequency). This variant has not been reported in the literature in individuals affected with TCIRG1-related conditions. For these reasons, this variant has been classified as Pathogenic.

Literature cited by the submitters: PubMed 10888887; PubMed 10942435; PubMed 11532986; PubMed 19448635.

NM_006019.4(TCIRG1):c.2256G>A (p.Trp752Ter)

Gene: TCIRG1 (T cell immune regulator 1, ATPase H+ transporting V0 subunit a3; plus strand). Cytogenetic location: 11q13.2.
Variant type: single nucleotide variant.
Coding change: c.2256G>A on transcript NM_006019.4 (MANE Select); coding-DNA position 2256, G replaced by A.
Protein change: p.Trp752Ter; replaces tryptophan 752 with a stop codon.
Molecular consequence: nonsense.
Genome position (GRCh38, 1-based): chr11:68,050,506, G>A. VCF-style: chr11-68050506-G-A. GRCh37 (hg19) VCF-style: chr11-67817973-G-A.
Other names: c.1362G>A, p.Trp454Ter (NM_001351059.2); c.1608G>A, p.Trp536Ter (NM_006053.4); short protein forms W454*, W752*, W536*.
Identifiers: ClinVar variation 2808196 (VCV002808196.3), dbSNP rs2495670907, ClinGen allele CA381591091.
Genomic context (GRCh38, chr11:68,050,506, plus strand): 5'-ACCCACTTGCCGTTGGCCCCCACTGTCTCCTTTGCTTGCAGAGCTGTCCGAGGTTCTGTG[G>A]GCCATGGTGATGCGCATAGGCCTGGGCCTGGGCCGGGAGGTGGGCGTGGCGGCTGTGGTG-3'